The following is an entry in ClinVar:

ClinVar aggregate classification (germline): Uncertain significance. Review status: criteria provided, multiple submitters, no conflicts (2 of 4 stars). 5 submissions from 5 submitters: Uncertain significance (4). 1 of the submissions does not count toward it. Last evaluated 2026-06-10.

Conditions:
HTRA1-related disorder. Also called: HTRA1-related condition.

Allele frequency attached by ClinVar (database versions not stated): TOPMed 0.00005; gnomAD 0.00007 and 0.00008; ExAC 0.00008; gnomAD exomes 0.00008 and 0.00028; ESP Exome Variant Server 0.00023.

Submissions (5):

Women's Health and Genetics/Laboratory Corporation of America, LabCorp
Classification: Uncertain significance. Last evaluated: 2026-06-10. Review status: criteria provided, single submitter. Criteria: LabCorp Variant Classification Summary - May 2015. Collection method: clinical testing. Allele origin: germline.
Comment: Variant summary: HTRA1 c.679C>T (p.Arg227Trp) results in a non-conservative amino acid change in the encoded protein sequence. Algorithms developed to predict the effect of missense changes on protein structure and function all suggest that this variant is likely to be disruptive. The variant allele was found at a frequency of 7.6e-05 in 251496 control chromosomes (gnomAD). This frequency is not significantly higher than estimated for disease-causing variants in HTRA1, allowing no conclusion about variant significance. c.679C>T has been observed in individuals affected with HTRA1-related conditions (e.g. Tan_2019, Malik_2021). These reports do not provide unequivocal conclusions about association of the variant with disease. Publications report experimental evidence evaluating an impact on protein function (Malik_2021, Malik_2024). The most pronounced variant effect results in 10%-<30% of normal protease activity. The following publications have been ascertained in the context of this evaluation (PMID: 31719132, 34626176, 39196222). ClinVar contains an entry for this variant (Variation ID: 1379463). Based on the evidence outlined above, the variant was classified as VUS-possibly pathogenic.

Labcorp Genetics (formerly Invitae), Labcorp
Classification: Uncertain significance. Last evaluated: 2025-07-21. Review status: criteria provided, single submitter. Criteria: Invitae Variant Classification Sherloc (09022015). Collection method: clinical testing. Allele origin: germline.
Comment: This sequence change replaces arginine, which is basic and polar, with tryptophan, which is neutral and slightly polar, at codon 227 of the HTRA1 protein (p.Arg227Trp). This variant is present in population databases (rs151165026, gnomAD 0.02%). This missense change has been observed in individual(s) with lacular stroke and/or clinical features of HTR1-related disorders (PMID: 31719132, 34626176). ClinVar contains an entry for this variant (Variation ID: 1379463). Invitae Evidence Modeling of protein sequence and biophysical properties (such as structural, functional, and spatial information, amino acid conservation, physicochemical variation, residue mobility, and thermodynamic stability) has been performed for this missense variant. However, the output from this modeling did not meet the statistical confidence thresholds required to predict the impact of this variant on HTRA1 protein function. In summary, the available evidence is currently insufficient to determine the role of this variant in disease. Therefore, it has been classified as a Variant of Uncertain Significance.

Blueprint Genetics
Classification: Uncertain significance. Last evaluated: 2024-02-09. Review status: criteria provided, single submitter. Criteria: ACMG Guidelines, 2015. Collection method: clinical testing. Allele origin: germline.

Clinical Genetics Laboratory, Skane University Hospital Lund
Classification: Uncertain significance. Last evaluated: 2023-09-01. Review status: criteria provided, single submitter. Criteria: ACMG Guidelines, 2015. Collection method: clinical testing. Allele origin: germline. Affected: yes.

PreventionGenetics, part of Exact Sciences
Classification: Uncertain significance for HTRA1-related condition. Last evaluated: 2024-05-13. Review status: no assertion criteria provided. Collection method: clinical testing. Allele origin: germline. Not counted in ClinVar's aggregate classification.
Comment: The HTRA1 c.679C>T variant is predicted to result in the amino acid substitution p.Arg227Trp. This variant has been reported in four individuals undergoing small vessel disease stroke testing. (Table 3, Tan et al. 2019. PubMed ID: 31719132). This variant was the most common variant in a large cohort study of patients with small vessel disease and, when compared to other HTRA1 variant carriers, individuals with this variant were shown to have a reduced risk of any stroke but similar risk of any migraine (Table 2, Cho et al. 2022. PubMed ID: 36300346). An in vitro functional study demonstrated that this variant resulted in a marked reduction of protease activity (Figure 3B, Malik et al. 2021. PubMed ID: 34626176). This variant is reported in 0.015% of alleles in individuals of European (non-Finnish) descent in gnomAD. At this time, the clinical significance of this variant is uncertain due to the absence of conclusive functional and genetic evidence.

Literature cited by the submitters: PubMed 31719132 (cited by Women's Health and Genetics/Laboratory Corporation of America, LabCorp and Labcorp Genetics (formerly Invitae), Labcorp); PubMed 34626176 (cited by Women's Health and Genetics/Laboratory Corporation of America, LabCorp and Labcorp Genetics (formerly Invitae), Labcorp); PubMed 39196222 (cited by Women's Health and Genetics/Laboratory Corporation of America, LabCorp).

NM_002775.5(HTRA1):c.679C>T (p.Arg227Trp)

Gene: HTRA1 (HtrA serine peptidase 1; plus strand). Cytogenetic location: 10q26.13.
Variant type: single nucleotide variant.
Coding change: c.679C>T on transcript NM_002775.5 (MANE Select); coding-DNA position 679, C replaced by T.
Protein change: p.Arg227Trp; replaces arginine 227 with tryptophan.
Molecular consequence: missense variant.
Genome position (GRCh38, 1-based): chr10:122,489,528, C>T. VCF-style: chr10-122489528-C-T. GRCh37 (hg19) VCF-style: chr10-124249044-C-T.
Other names: c.679C>T (NM_002775.4); short protein forms R227W.
Identifiers: ClinVar variation 1379463 (VCV001379463.12), dbSNP rs151165026, ClinGen allele CA5725893.